The following is an entry in ClinVar:

ClinVar aggregate classification (germline): Likely benign (1 of 4 stars; one submission).

Conditions:
Lung cancer. Also called: Lung cancer, somatic; Malignant tumor of lung. Identifiers: MedGen C0242379, MONDO:0008903, OMIM 211980.

Submission:

Myriad Genetics, Inc.
Classification: Likely benign for Lung cancer. Last evaluated: 2024-10-16. Review status: criteria provided, single submitter. Criteria: Myriad Autosomal Dominant, Autosomal Recessive and X-Linked Classification Criteria (2023). Collection method: clinical testing. Allele origin: unknown.
Comment: This variant is considered likely benign. This variant is intronic and is not expected to impact mRNA splicing.

NM_005228.5(EGFR):c.2470-19A>G

Gene: EGFR (epidermal growth factor receptor; plus strand). Cytogenetic location: 7p11.2.
Variant type: single nucleotide variant.
Coding change: c.2470-19A>G on transcript NM_005228.5 (MANE Select); 19 bases into the intron before coding-DNA position 2470, A replaced by G.
Molecular consequence: intron variant.
Genome position (GRCh38, 1-based): chr7:55,191,700, A>G. VCF-style: chr7-55191700-A-G. GRCh37 (hg19) VCF-style: chr7-55259393-A-G.
Other names: c.2335-19A>G (NM_001346899.2, NM_001346897.2); c.1669-19A>G (NM_001346941.2); c.2470-19A>G (NM_001346898.2); c.2311-19A>G (NM_001346900.2).
Identifiers: ClinVar variation 3773377 (VCV003773377.1).